The following is an entry in ClinVar:

NM_173653.4(SLC9A9):c.998C>T (p.Thr333Ile)

Gene: SLC9A9 (solute carrier family 9 member A9; minus strand). Cytogenetic location: 3q24.
Variant type: single nucleotide variant.
Coding change: c.998C>T on transcript NM_173653.4 (MANE Select); coding-DNA position 998, C replaced by T.
Protein change: p.Thr333Ile; replaces threonine 333 with isoleucine.
Molecular consequence: missense variant.
Genome position (GRCh38, 1-based): chr3:143,574,090, G>A on the plus strand (C>T on the coding strand, the complement: SLC9A9 is on the minus strand). VCF-style: chr3-143574090-G-A. GRCh37 (hg19) VCF-style: chr3-143292932-G-A.
Other names: short protein forms T333I.
Identifiers: ClinVar variation 3068832 (VCV003068832.2), dbSNP rs1481015080, ClinGen allele CA354872423.

ClinVar aggregate classification (germline): Uncertain significance (1 of 4 stars; one submission).

Allele frequency attached by ClinVar (database versions not stated): gnomAD exomes below 0.00001; TOPMed below 0.00001; gnomAD 0.00001.
gnomAD v4.1: 6 of 1,612,734 alleles (0.00037%); highest among the groups gnomAD compares: Non-Finnish European, 0.00051%; no homozygotes.

Submission:

Women's Health and Genetics/Laboratory Corporation of America, LabCorp
Classification: Uncertain significance. Last evaluated: 2024-02-29. Review status: criteria provided, single submitter. Criteria: LabCorp Variant Classification Summary - May 2015. Collection method: clinical testing. Allele origin: germline.
Comment: Variant summary: SLC9A9 c.998C>T (p.Thr333Ile) results in a non-conservative amino acid change located in the Cation/H+ exchanger (IPR006153) of the encoded protein sequence. Four of five in-silico tools predict a damaging effect of the variant on protein function. Consensus agreement among computation tools predict no significant impact on normal splicing. However, these predictions have yet to be confirmed by functional studies. The variant was absent in 250466 control chromosomes. The available data on variant occurrences in the general population are insufficient to allow any conclusion about variant significance. To our knowledge, no occurrence of c.998C>T in individuals affected with Autism, Susceptibility To, 16 and no experimental evidence demonstrating its impact on protein function have been reported. No submitters have cited clinical-significance assessments for this variant to ClinVar. Based on the evidence outlined above, the variant was classified as uncertain significance.